The following is an entry in ClinVar:

ClinVar aggregate classification (germline): Likely benign (1 of 4 stars; one submission).

gnomAD v4.1: 9 of 1,123,048 alleles (0.0008%); highest among the groups gnomAD compares: Non-Finnish European, 0.00098%; no homozygotes.

Submission:

CeGaT Center for Human Genetics Tuebingen
Classification: Likely benign. Last evaluated: 2023-01-01. Review status: criteria provided, single submitter. Criteria: CeGaT Center For Human Genetics Tuebingen Variant Classification Criteria Version 2. Collection method: clinical testing. Allele origin: germline. Affected: yes. Observed: 1 variant allele.
Comment: APC2: PM2:Supporting, BP4, BP7

NM_005883.3(APC2):c.6168G>C (p.Pro2056=)

Gene: APC2 (APC regulator of Wnt signaling pathway 2; plus strand). Cytogenetic location: 19p13.3.
Variant type: single nucleotide variant.
Coding change: c.6168G>C on transcript NM_005883.3 (MANE Select); coding-DNA position 6168, G replaced by C.
Protein change: p.Pro2056=; no amino-acid change (proline 2056 retained).
Molecular consequence: synonymous variant.
Genome position (GRCh38, 1-based): chr19:1,469,469, G>C. VCF-style: chr19-1469469-G-C. GRCh37 (hg19) VCF-style: chr19-1469468-G-C.
Other names: c.6165G>C, p.Pro2055= (NM_001351273.1).
Identifiers: ClinVar variation 2648934 (VCV002648934.24), dbSNP rs2512546440, ClinGen allele CA504899277.